The following is an entry in ClinVar:

ClinVar aggregate classification (germline): Pathogenic (1 of 4 stars; one submission).

Submission:

Labcorp Genetics (formerly Invitae), Labcorp
Classification: Pathogenic. Last evaluated: 2021-05-04. Review status: criteria provided, single submitter. Criteria: Invitae Variant Classification Sherloc (09022015). Collection method: clinical testing. Allele origin: germline.
Comment: For these reasons, this variant has been classified as Pathogenic. This variant has not been reported in the literature in individuals with TUBGCP6-related conditions. This variant is not present in population databases (ExAC no frequency). This sequence change creates a premature translational stop signal (p.Ser1176Argfs*17) in the TUBGCP6 gene. It is expected to result in an absent or disrupted protein product. Loss-of-function variants in TUBGCP6 are known to be pathogenic (PMID: 25344692).

Literature cited by the submitters: PubMed 25344692.

NM_020461.4(TUBGCP6):c.3525_3526del (p.Ser1176fs)

Gene: TUBGCP6 (tubulin gamma complex component 6; minus strand). Cytogenetic location: 22q13.33.
Variant type: Microsatellite.
Coding change: c.3525_3526del on transcript NM_020461.4 (MANE Select); coding-DNA positions 3525 to 3526, 2 bases deleted (GT; older notation c.3525_3526delGT).
Protein change: p.Ser1176fs; shifts the reading frame from serine 1176.
Molecular consequence: frameshift variant.
Genome position (GRCh38, 1-based): chr22:50,220,833-50,220,834, AC deleted on the plus strand (GT on the coding strand, the reverse complement: TUBGCP6 is on the minus strand); deleting any 2 consecutive bases within chr22:50,220,833-50,220,837 gives the same sequence; the c. name uses the placement nearest the transcript's 3' end. VCF-style (leftmost placement, unchanged base first): chr22-50220832-GAC-G. GRCh37 (hg19) VCF-style: chr22-50659261-GAC-G.
Other names: short protein forms S1176fs.
Identifiers: ClinVar variation 1361421 (VCV001361421.6), dbSNP rs2064507825, ClinGen allele CA2410730544.